The following is an entry in ClinVar:

NM_000466.3(PEX1):c.2227-11T>A

Gene: PEX1 (peroxisomal biogenesis factor 1; minus strand). Cytogenetic location: 7q21.2.
Variant type: single nucleotide variant.
Coding change: c.2227-11T>A on transcript NM_000466.3 (MANE Select); 11 bases into the intron before coding-DNA position 2227, T replaced by A.
Molecular consequence: intron variant.
Genome position (GRCh38, 1-based): chr7:92,502,090, A>T on the plus strand (T>A on the coding strand, the complement: PEX1 is on the minus strand). VCF-style: chr7-92502090-A-T. GRCh37 (hg19) VCF-style: chr7-92131404-A-T.
Other names: c.2227-11T>A (NM_000466.2); c.2056-11T>A (NM_001282677.2); c.1603-11T>A (NM_001282678.2).
Identifiers: ClinVar variation 1311356 (VCV001311356.4), dbSNP rs760316851, ClinGen allele CA4341176.

ClinVar aggregate classification (germline): Conflicting classifications of pathogenicity. Review status: criteria provided, conflicting classifications (1 of 4 stars). 3 submissions from 3 submitters: Pathogenic (1); Uncertain significance (1); Likely benign (1). Last evaluated 2025-09-16.

Conditions:
PEX1-related Peroxisomal Biogenesis Disorder.
Zellweger spectrum disorders (ZS). Also called: Zellweger Spectrum Disorder; Zellweger Spectrum; Zellweger Spectrum Disorder (ZSD); Zellweger syndrome. Identifiers: Orphanet 912, MedGen C0043459, MONDO:0019609.

Allele frequency attached by ClinVar (database versions not stated): ExAC 0.00001.
gnomAD v4.1: 2 of 1,569,220 alleles (0.00013%); highest among the groups gnomAD compares: Non-Finnish European, 0.00017%; no homozygotes.

Submissions (3):

GLIA-CTN Genomics Core
Classification: Pathogenic for PEX1-related Peroxisomal Biogenesis Disorder. Last evaluated: 2025-09-16. Review status: criteria provided, single submitter. Criteria: ACMG Guidelines, 2015. Collection method: clinical testing. Allele origin: germline. Inheritance: Autosomal recessive inheritance. Affected: yes. Observed: 1 compound heterozygote. Study: Myelin Disorders Biorepository Project and GLIA-CTN.
Comment: Neuroimaging findings are remarkable for pontocerebellar hypoplasia/atrophy. Together, these findings are consistent with a diagnosis of PEX1-related Peroxisomal Biogenesis Disorder. The proband's skin cells had reduced amounts of PEX1 RNA and protein. RNA showed abnormal leaky transcript (PVS1). Well-established functional studies support a damaging effect on gene product (PS3) PMID: 40112482. In summary, this variant meets criteria to be classified as likely pathogenic for PEX1-related Peroxisomal Biogenesis Disorder based on the ACMG/AMP criteria applied: PVS1, PS3, PM3.

Labcorp Genetics (formerly Invitae), Labcorp
Classification: Likely benign for Zellweger spectrum disorders. Last evaluated: 2024-02-07. Review status: criteria provided, single submitter. Criteria: Invitae Variant Classification Sherloc (09022015). Collection method: clinical testing. Allele origin: germline.

GeneDx
Classification: Uncertain significance. Last evaluated: 2020-01-14. Review status: criteria provided, single submitter. Criteria: GeneDx Variant Classification Process June 2021. Collection method: clinical testing. Allele origin: germline. Affected: yes.
Comment: Not observed at a significant frequency in large population cohorts (Lek et al., 2016); Has not been previously published as pathogenic or benign to our knowledge; In-silico analysis, which includes splice predictors and evolutionary conservation, is inconclusive as to whether the variant alters gene splicing. In the absence of RNA/functional studies, the actual effect of this sequence change is unknown.; In silico analysis, which includes splice predictors and evolutionary conservation, suggests this variant may impact gene splicing. In the absence of RNA/functional studies, the actual effect of this sequence change is unknown.

Literature cited by the submitters: PubMed 40112482 (cited by GLIA-CTN Genomics Core).